The following is an entry in ClinVar:

ClinVar aggregate classification (germline): Uncertain significance (1 of 4 stars; one submission).

Allele frequency attached by ClinVar (database versions not stated): gnomAD exomes below 0.00001 and 0.00001; ExAC 0.00002; gnomAD 0.00002 and 0.00003; TOPMed 0.00003; ESP Exome Variant Server 0.00008.
gnomAD v4.1: 7 of 1,605,274 alleles (0.00044%); highest among the groups gnomAD compares: African/African-American, 0.008%; no homozygotes.

Submission:

GeneDx
Classification: Uncertain significance. Last evaluated: 2022-01-11. Review status: criteria provided, single submitter. Criteria: GeneDx Variant Classification Process June 2021. Collection method: clinical testing. Allele origin: germline. Affected: yes.
Comment: In silico analysis supports that this missense variant does not alter protein structure/function; Has not been previously published as pathogenic or benign to our knowledge

NM_001378452.1(ITPR1):c.7559A>G (p.Glu2520Gly)

Gene: ITPR1 (inositol 1,4,5-trisphosphate receptor type 1; plus strand). Cytogenetic location: 3p26.1.
Variant type: single nucleotide variant.
Coding change: c.7559A>G on transcript NM_001378452.1 (MANE Select); coding-DNA position 7559, A replaced by G.
Protein change: p.Glu2520Gly; replaces glutamic acid 2520 with glycine.
Molecular consequence: missense variant.
Genome position (GRCh38, 1-based): chr3:4,813,232, A>G. VCF-style: chr3-4813232-A-G. GRCh37 (hg19) VCF-style: chr3-4854916-A-G.
Other names: c.7415A>G, p.Glu2472Gly (NM_001099952.4); c.7514A>G, p.Glu2505Gly (NM_001168272.2); c.7370A>G, p.Glu2457Gly (NM_002222.7); short protein forms E2457G, E2472G, E2505G, E2520G.
Identifiers: ClinVar variation 1695881 (VCV001695881.2), dbSNP rs369183965, ClinGen allele CA2232880.